The following is an entry in ClinVar:

ClinVar aggregate classification (germline): Uncertain significance (1 of 4 stars; one submission).

gnomAD v4.1: 4 of 1,614,220 alleles (0.00025%); highest among the groups gnomAD compares: Non-Finnish European, 0.00034%; no homozygotes.

Submission:

Women's Health and Genetics/Laboratory Corporation of America, LabCorp
Classification: Uncertain significance. Last evaluated: 2025-07-30. Review status: criteria provided, single submitter. Criteria: LabCorp Variant Classification Summary - May 2015. Collection method: clinical testing. Allele origin: germline.
Comment: Variant summary: SURF1 c.705G>T (p.Met235Ile) results in a conservative amino acid change in the encoded protein sequence. Algorithms developed to predict the effect of missense changes on protein structure and function are either unavailable or do not agree on the potential impact of this missense change. The variant was absent in 251472 control chromosomes. The available data on variant occurrences in the general population are insufficient to allow any conclusion about variant significance. To our knowledge, no occurrence of c.705G>T in individuals affected with Leigh Syndrome and no experimental evidence demonstrating its impact on protein function have been reported. No submitters have cited clinical-significance assessments for this variant to ClinVar. Based on the evidence outlined above, the variant was classified as uncertain significance.

NM_003172.4(SURF1):c.705G>T (p.Met235Ile)

Gene: SURF1 (SURF1 cytochrome c oxidase assembly factor; minus strand). Cytogenetic location: 9q34.2.
Variant type: single nucleotide variant.
Coding change: c.705G>T on transcript NM_003172.4 (MANE Select); coding-DNA position 705, G replaced by T.
Protein change: p.Met235Ile; replaces methionine 235 with isoleucine.
Molecular consequence: missense variant.
Genome position (GRCh38, 1-based): chr9:133,352,492, C>A on the plus strand (G>T on the coding strand, the complement: SURF1 is on the minus strand). VCF-style: chr9-133352492-C-A. GRCh37 (hg19) VCF-style: chr9-136219347-C-A.
Other names: c.378G>T, p.Met126Ile (NM_001280787.1); short protein forms M235I, M126I.
Identifiers: ClinVar variation 4525793 (VCV004525793.1).